The following is an entry in ClinVar:

NM_152703.5(SAMD9L):c.3122C>T (p.Thr1041Ile)

Gene: SAMD9L (sterile alpha motif domain containing 9 like; minus strand). Cytogenetic location: 7q21.2.
Variant type: single nucleotide variant.
Coding change: c.3122C>T on transcript NM_152703.5 (MANE Select); coding-DNA position 3122, C replaced by T.
Protein change: p.Thr1041Ile; replaces threonine 1041 with isoleucine.
Molecular consequence: missense variant.
Genome position (GRCh38, 1-based): chr7:93,132,850, G>A on the plus strand (C>T on the coding strand, the complement: SAMD9L is on the minus strand). VCF-style: chr7-93132850-G-A. GRCh37 (hg19) VCF-style: chr7-92762163-G-A.
Other names: c.3122C>T, p.Thr1041Ile (NM_001303496.3, NM_001303497.3, NM_001303498.3 and 5 more transcripts); short protein forms T1041I.
Identifiers: ClinVar variation 3792219 (VCV003792219.1).

ClinVar aggregate classification (germline): Uncertain significance (1 of 4 stars; one submission).

Conditions:
Inborn genetic diseases. Identifiers: MedGen C0950123, MeSH D030342.

Submission:

Ambry Genetics
Classification: Uncertain significance for Inborn genetic diseases. Last evaluated: 2024-12-16. Review status: criteria provided, single submitter. Criteria: Ambry Variant Classification Scheme 2023. Collection method: clinical testing. Allele origin: germline.
Comment: The p.T1041I variant (also known as c.3122C>T), located in coding exon 1 of the SAMD9L gene, results from a C to T substitution at nucleotide position 3122. The threonine at codon 1041 is replaced by isoleucine, an amino acid with similar properties. This amino acid position is conserved. In addition, this alteration is predicted to be tolerated by in silico analysis. Based on the available evidence, the clinical significance of this variant remains unclear.